The following is an entry in ClinVar:

ClinVar aggregate classification (germline): Conflicting classifications of pathogenicity. Review status: criteria provided, conflicting classifications (1 of 4 stars). 18 submissions from 18 submitters: Uncertain significance (8); Likely benign (6). 4 of the submissions do not count toward it. Last evaluated 2026-08-01.

Conditions:
TTN-related disorder. Also called: TTN-related disorders; TTN-related condition; TTN-related disease.
Cardiovascular phenotype. Identifiers: MedGen CN230736.
Autosomal recessive limb-girdle muscular dystrophy type 2J (LGMDR10). Also called: MUSCULAR DYSTROPHY, LIMB-GIRDLE, AUTOSOMAL RECESSIVE 10; Limb-girdle muscular dystrophy, type 2J. Identifiers: Orphanet 140922, MedGen C1837342, MONDO:0012127, OMIM 608807.
Dilated cardiomyopathy 1G (CMD1G). Identifiers: Orphanet 154, MedGen C1858763, MONDO:0011400, OMIM 604145.
Early-onset myopathy with fatal cardiomyopathy (CMYO5). Also called: CONGENITAL MYOPATHY 5 WITH CARDIOMYOPATHY; Salih Myopathy. Identifiers: Orphanet 289377, MedGen C2673677, MONDO:0012714, OMIM 611705. Disease mechanism: loss of function.
Hypertrophic cardiomyopathy 9. Also called: Familial hypertrophic cardiomyopathy 9. Identifiers: MedGen C1861065, MONDO:0013412, OMIM 613765.
Myopathy, myofibrillar, 9, with early respiratory failure (MFM9). Also called: Myopathy, distal, with early respiratory failure, autosomal dominant; Hereditary myopathy with early respiratory failure; EDSTROM MYOPATHY; MYOPATHY, PROXIMAL, WITH EARLY RESPIRATORY MUSCLE INVOLVEMENT. Identifiers: Orphanet 178464, Orphanet 34521, MedGen C1863599, MONDO:0011362, OMIM 603689.
Tibial muscular dystrophy (TMD). Also called: Tibial muscular dystrophy, tardive; Udd Distal Myopathy – Tibial Muscular Dystrophy; UDD MYOPATHY. Identifiers: Orphanet 609, MedGen C1838244, MONDO:0010870, OMIM 600334.
Congestive heart failure. Identifiers: MedGen C0018802, MONDO:0005009, HP:0001635.

Allele frequency attached by ClinVar (database versions not stated): ESP Exome Variant Server 0.00017; TOPMed 0.00022; gnomAD exomes 0.00021 and 0.00027; gnomAD 0.00025 and 0.00022; ExAC 0.00013; 1000 Genomes Project 30x 0.00016; 1000 Genomes Project 0.00020.
gnomAD v4.1: 421 of 1,613,592 alleles (0.026%); highest among the groups gnomAD compares: Middle Eastern, 0.082%; 1 homozygote.

Submissions (18):

CeGaT Center for Human Genetics Tuebingen
Classification: Likely benign. Last evaluated: 2026-08-01. Review status: criteria provided, single submitter. Criteria: CeGaT Center For Human Genetics Tuebingen Variant Classification Criteria Version 2. Collection method: clinical testing. Allele origin: germline. Affected: yes. Observed: 3 variant alleles.
Comment: TTN: BP4

PreventionGenetics, part of Exact Sciences
Classification: Likely benign for TTN-related condition. Last evaluated: 2026-04-06. Review status: criteria provided, single submitter. Criteria: ACMG Guidelines, 2015. Collection method: clinical testing. Allele origin: germline.
Comment: This variant is classified as likely benign based on ACMG/AMP sequence variant interpretation guidelines (Richards et al. 2015 PMID: 25741868, with internal and published modifications).

Women's Health and Genetics/Laboratory Corporation of America, LabCorp
Classification: Uncertain significance. Last evaluated: 2026-01-16. Review status: criteria provided, single submitter. Criteria: LabCorp Variant Classification Summary - May 2015. Collection method: clinical testing. Allele origin: germline.
Comment: Variant summary: TTN c.77219A>C (p.Gln25740Pro) results in a non-conservative amino acid change located in the A-band of the encoded protein sequence. Algorithms developed to predict the effect of missense changes on protein structure and function are either unavailable or do not agree on the potential impact of this missense change. The variant allele was found at a frequency of 0.00021 in 248134 control chromosomes (gnomAD). This frequency is not significantly higher than estimated for disease-causing variants in TTN, allowing no conclusion about variant significance. c.77219A>C has been reported in the literature in individuals affected with cardiomyopathy and sudden arrhythmic death syndrome (e.g., Nunn_2019, Pugh_2014, vanLint_2019). These reports do not provide unequivocal conclusions about association of the variant with Dilated Cardiomyopathy. To our knowledge, no experimental evidence demonstrating an impact on protein function has been reported. The following publications have been ascertained in the context of this evaluation (PMID: 26498160, 24503780, 30847666). ClinVar contains an entry for this variant (Variation ID: 47441). Based on the evidence outlined above, the variant was classified as uncertain significance.

Revvity Omics, Revvity
Classification: Uncertain significance. Last evaluated: 2025-06-20. Review status: criteria provided, single submitter. Criteria: ACMG Guidelines, 2015. Collection method: clinical testing. Allele origin: germline.

Molecular Diagnostic Laboratory for Inherited Cardiovascular Disease, Montreal Heart Institute
Classification: Likely benign. Last evaluated: 2025-04-09. Review status: criteria provided, single submitter. Criteria: ACMG Guidelines, 2015. Collection method: clinical testing. Allele origin: germline. Affected: no.

Blueprint Genetics
Classification: Likely benign. Last evaluated: 2024-10-25. Review status: criteria provided, single submitter. Criteria: ACMG Guidelines, 2015. Collection method: clinical testing. Allele origin: germline.

Fulgent Genetics
Classification: Uncertain significance for Tibial muscular dystrophy; Myopathy, myofibrillar, 9, with early respiratory failure; Dilated cardiomyopathy 1G; Autosomal recessive limb-girdle muscular dystrophy type 2J; Early-onset myopathy with fatal cardiomyopathy; Hypertrophic cardiomyopathy 9. Last evaluated: 2024-02-07. Review status: criteria provided, single submitter. Criteria: ACMG Guidelines, 2015. Collection method: clinical testing. Allele origin: germline.

Athena Diagnostics
Classification: Uncertain significance. Last evaluated: 2022-08-19. Review status: criteria provided, single submitter. Criteria: Athena Diagnostics Criteria. Collection method: clinical testing. Allele origin: unknown.

Mayo Clinic Laboratories, Mayo Clinic
Classification: Uncertain significance. Last evaluated: 2022-01-05. Review status: criteria provided, single submitter. Criteria: ACMG Guidelines, 2015. Collection method: clinical testing. Allele origin: germline.

Ambry Genetics
Classification: Uncertain significance for Cardiovascular phenotype. Last evaluated: 2018-08-17. Review status: criteria provided, single submitter. Criteria: Ambry Variant Classification Scheme 2023. Collection method: clinical testing. Allele origin: germline.
Comment: The p.Q19243P variant (also known as c.57728A>C), located in coding exon 153 of the TTN gene, results from an A to C substitution at nucleotide position 57728. The glutamine at codon 19243 is replaced by proline, an amino acid with similar properties. This amino acid position is well conserved in available vertebrate species; however, proline is the reference amino acid in other vertebrate species. In addition, this alteration is predicted to be tolerated by in silico analysis. Since supporting evidence is limited at this time, the clinical significance of this alteration remains unclear.

Labcorp Genetics (formerly Invitae), Labcorp
Classification: Uncertain significance for Dilated cardiomyopathy 1G; Autosomal recessive limb-girdle muscular dystrophy type 2J. Last evaluated: 2018-01-04. Review status: criteria provided, single submitter. Criteria: Invitae Variant Classification Sherloc (09022015). Collection method: clinical testing. Allele origin: germline.

Center for Advanced Laboratory Medicine, UC San Diego Health, University of California San Diego
Classification: Likely benign for Congestive heart failure. Last evaluated: 2017-12-06. Review status: criteria provided, single submitter. Criteria: ACMG Guidelines, 2015. Collection method: clinical testing. Allele origin: germline. Affected: yes. Observed: 2 variant alleles.

Eurofins Ntd Llc (ga)
Classification: Uncertain significance. Last evaluated: 2017-05-24. Review status: criteria provided, single submitter. Criteria: EGL Classification Definitions 2015. Collection method: clinical testing. Allele origin: germline. Observed: 3 variant alleles, 3 heterozygotes.

Laboratory for Molecular Medicine, Mass General Brigham Personalized Medicine
Classification: Likely benign. Last evaluated: 2014-05-28. Review status: criteria provided, single submitter. Criteria: LMM Criteria. Collection method: clinical testing. Allele origin: germline. Observed: 2 variant alleles.
Comment: Gln25740Pro in exon 275 of TTN: This variant has been identified in 1/8250 Europ ean American chromosomes and 1/3832 African American chromosomes by the NHLBI Ex ome Sequencing Project. It is not expected t o have clinical significance due to a lack of evolutionary conservation. Of note , 5 have a proline (Pro) at this position despite high nearby amino acid conserv ation, suggesting that this change is tolerated.

GeneDx
No classification provided. Last evaluated: 2014-08-28. Review status: no classification provided. Criteria: GeneDx Variant Classification (06012015). Collection method: clinical testing. Allele origin: germline. Affected: yes. Not counted in ClinVar's aggregate classification.
Comment: Missense variants in the TTN gene are considered 'unclassified' if they are not previously reported in the literature and do not have >1% frequency in the population to be considered a polymorphism. Research indicates that truncating mutations in the TTN gene are expected to account for approximately 25% of familial and 18% of sporadic idiopathic DCM; however, truncating variants in the TTN gene have been reported in approximately 3% of reported control alleles. There has been little investigation into non-truncating variants. (Herman D et al. Truncations of titin causing dilated cardiomyopathy. N Eng J Med 366:619-628, 2012) The variant is found in DCM-CRDM,CARDIOMYOPATHY panel(s).

Clinical Genetics DNA and cytogenetics Diagnostics Lab, Erasmus MC, Erasmus Medical Center
Classification: Uncertain significance. Review status: no assertion criteria provided. Collection method: clinical testing. Allele origin: germline. Affected: yes. Study: VKGL Data-share Consensus. Not counted in ClinVar's aggregate classification.

Clinical Genetics, Academic Medical Center
Classification: Uncertain significance. Review status: no assertion criteria provided. Collection method: clinical testing. Allele origin: germline. Affected: yes. Study: VKGL Data-share Consensus. Not counted in ClinVar's aggregate classification.

Diagnostic Laboratory, Department of Genetics, University Medical Center Groningen
Classification: Uncertain significance. Review status: no assertion criteria provided. Collection method: clinical testing. Allele origin: germline. Affected: yes. Study: VKGL Data-share Consensus. Not counted in ClinVar's aggregate classification.

Literature cited by the submitters: PubMed 24503780 (cited by Women's Health and Genetics/Laboratory Corporation of America, LabCorp); PubMed 26498160 (cited by Women's Health and Genetics/Laboratory Corporation of America, LabCorp); PubMed 30847666 (cited by Women's Health and Genetics/Laboratory Corporation of America, LabCorp).

NM_001267550.2(TTN):c.84923A>C (p.Gln28308Pro)

Genes: TTN-AS1 (TTN antisense RNA 1; plus strand), TTN (titin; minus strand). Cytogenetic location: 2q31.2.
Variant type: single nucleotide variant.
Coding change: c.84923A>C on transcript NM_001267550.2 (MANE Select); coding-DNA position 84923, A replaced by C.
Protein change: p.Gln28308Pro; replaces glutamine 28308 with proline.
Molecular consequence: missense variant.
Genome position (GRCh38, 1-based): chr2:178,561,209, T>G on the plus strand (A>C on the coding strand, the complement: TTN is on the minus strand). VCF-style: chr2-178561209-T-G. GRCh37 (hg19) VCF-style: chr2-179425936-T-G.
Other names: p.Q26667P:CAA>CCA; p.Gln26667Pro; c.80000A>C, p.Gln26667Pro (NM_001256850.1); c.77219A>C, p.Gln25740Pro (NM_133378.4); c.57728A>C, p.Gln19243Pro (NM_003319.4); c.58103A>C, p.Gln19368Pro (NM_133432.3); c.58304A>C, p.Gln19435Pro (NM_133437.4); c.84923A>C (NM_001267550.1); short protein forms Q28308P, Q25740P, Q26667P, Q19243P, Q19368P, Q19435P.
Identifiers: ClinVar variation 47441 (VCV000047441.41), dbSNP rs201674674, ClinGen allele CA141009.